The following is an entry in ClinVar:

NM_002693.3(POLG):c.894C>T (p.His298=)

Gene: POLG (DNA polymerase gamma, catalytic subunit; minus strand). Cytogenetic location: 15q26.1.
Variant type: single nucleotide variant.
Coding change: c.894C>T on transcript NM_002693.3 (MANE Select); coding-DNA position 894, C replaced by T.
Protein change: p.His298=; no amino-acid change (histidine 298 retained).
Molecular consequence: synonymous variant.
Genome position (GRCh38, 1-based): chr15:89,329,072, G>A on the plus strand (C>T on the coding strand, the complement: POLG is on the minus strand). VCF-style: chr15-89329072-G-A. GRCh37 (hg19) VCF-style: chr15-89872303-G-A.
Other names: c.894C>T, p.His298= (NM_001126131.2).
Identifiers: ClinVar variation 4995202 (VCV004995202.1).

ClinVar aggregate classification (germline): Likely benign (1 of 4 stars; one submission).

Conditions:
POLG-related disorder. Also called: POLG-related condition; POLG-Related Disorders; POLG-Related Spectrum Disorders. Identifiers: MedGen C4763519.

gnomAD v4.1: 1 of 1,612,916 alleles (0.000062%); highest among the groups gnomAD compares: Non-Finnish European, 0.000085%; no homozygotes.

Submission:

PreventionGenetics, part of Exact Sciences
Classification: Likely benign for POLG-related condition. Last evaluated: 2026-09-18. Review status: criteria provided, single submitter. Criteria: ACMG Guidelines, 2015. Collection method: clinical testing. Allele origin: germline.
Comment: This variant is classified as likely benign based on ACMG/AMP sequence variant interpretation guidelines (Richards et al. 2015 PMID: 25741868, with internal and published modifications).